The following is an entry in ClinVar:

ClinVar aggregate classification (germline): Pathogenic/Likely pathogenic. Review status: criteria provided, multiple submitters, no conflicts (2 of 4 stars). 6 submissions from 6 submitters: Pathogenic (5); Likely pathogenic (1). Last evaluated 2026-01-01.

Conditions:
Orofaciodigital syndrome type 6 (OFD6). Also called: OROFACIODIGITAL SYNDROME VI; OFDS VI; POLYDACTYLY, CLEFT LIP/PALATE OR LINGUAL LUMP, AND PSYCHOMOTOR RETARDATION; VARADI SYNDROME; VARADI-PAPP SYNDROME; Oral-facial-digital syndrome type 6. Identifiers: MedGen C2745997, MONDO:0010176, OMIM 277170, Orphanet 2754.
Joubert syndrome 17 (JBTS17). Identifiers: Orphanet 475, MedGen C3553264, MONDO:0013824, OMIM 614615.
Joubert syndrome 1 (JBTS1). Also called: CEREBELLOPARENCHYMAL DISORDER IV; Cerebellooculorenal syndrome 1. Identifiers: MedGen C4551568, MONDO:0008944, OMIM 213300.

Allele frequency attached by ClinVar (database versions not stated): gnomAD exomes below 0.00001 and 0.00001; gnomAD 0.00001; TOPMed 0.00001.
gnomAD v4.1: 5 of 1,612,600 alleles (0.00031%); highest among the groups gnomAD compares: Admixed American, 0.005%; no homozygotes.

Submissions (6):

CeGaT Center for Human Genetics Tuebingen
Classification: Pathogenic. Last evaluated: 2026-01-01. Review status: criteria provided, single submitter. Criteria: CeGaT Center For Human Genetics Tuebingen Variant Classification Criteria Version 2. Collection method: clinical testing. Allele origin: germline. Affected: yes. Observed: 1 variant allele.
Comment: CPLANE1: PVS1, PM2, PM3:Supporting

OLLIN Analises Genomicas, OLLIN
Classification: Pathogenic for Joubert syndrome 17. Last evaluated: 2025-10-29. Review status: criteria provided, single submitter. Criteria: ACMG Guidelines 2015 PMID 25741868. Collection method: clinical testing. Allele origin: germline. Affected: yes. Observed: 1 variant allele.
Comment: The variant located at the canonical splicing site (splice donor) (chr5:37122429C>T), in intron 48 (of 53 exons), is reported in ClinVar (VCV000217564.10), in gnomAD v4.1 non-UKB with an allele frequency of 0.00038%, and in the scientific literature, also in compound heterozygosity, in individuals with Joubert syndrome (PMID: 26092869). This variant is predicted to disrupt the canonical splice site, resulting in a truncated protein, or in mRNA degradation via NMD or exon skipping. There is another pathogenic variant reported at this position (PMID: 26092869). According to the currently available evidence, this variant has been classified as pathogenic (PVS1_M, PS1_P, PM2_P, PM3_P).

Labcorp Genetics (formerly Invitae), Labcorp
Classification: Pathogenic. Last evaluated: 2024-10-21. Review status: criteria provided, single submitter. Criteria: Invitae Variant Classification Sherloc (09022015). Collection method: clinical testing. Allele origin: germline.
Comment: This sequence change affects a donor splice site in intron 47 of the CPLANE1 gene. It is expected to disrupt RNA splicing. Variants that disrupt the donor or acceptor splice site typically lead to a loss of protein function (PMID: 16199547), and loss-of-function variants in CPLANE1 are known to be pathogenic (PMID: 24178751, 26092869). This variant is present in population databases (no rsID available, gnomAD 0.009%). Disruption of this splice site has been observed in individual(s) with Joubert syndrome (PMID: 26092869). ClinVar contains an entry for this variant (Variation ID: 217564). Algorithms developed to predict the effect of sequence changes on RNA splicing suggest that this variant may disrupt the consensus splice site. For these reasons, this variant has been classified as Pathogenic.

Fulgent Genetics
Classification: Pathogenic for Orofaciodigital syndrome type 6; Joubert syndrome 17. Last evaluated: 2024-05-31. Review status: criteria provided, single submitter. Criteria: ACMG Guidelines, 2015. Collection method: clinical testing. Allele origin: germline.

Mendelics
Classification: Likely pathogenic for Joubert syndrome 1. Last evaluated: 2019-05-28. Review status: criteria provided, single submitter. Criteria: Mendelics Assertion Criteria 2017. Collection method: clinical testing. Allele origin: unknown.

UW Hindbrain Malformation Research Program, University of Washington
Classification: Pathogenic for Joubert syndrome 17. Last evaluated: 2015-02-23. Review status: criteria provided, single submitter. Criteria: Bachmann-Gagescu et al. (J Med Genet. 2015). Collection method: research. Allele origin: unknown. Affected: yes.

Literature cited by the submitters: PubMed 26092869 (cited by OLLIN Analises Genomicas, OLLIN and Labcorp Genetics (formerly Invitae), Labcorp); PubMed 16199547 (cited by Labcorp Genetics (formerly Invitae), Labcorp); PubMed 24178751 (cited by Labcorp Genetics (formerly Invitae), Labcorp).

NM_001384732.1(CPLANE1):c.9017+1G>A

Gene: CPLANE1 (ciliogenesis and planar polarity effector complex subunit 1; minus strand). Cytogenetic location: 5p13.2.
Variant type: single nucleotide variant.
Coding change: c.9017+1G>A on transcript NM_001384732.1 (MANE Select); the canonical splice donor site of the intron after coding-DNA position 9017, G replaced by A.
Molecular consequence: splice donor variant.
Genome position (GRCh38, 1-based): chr5:37,122,429, C>T on the plus strand (G>A on the coding strand, the complement: CPLANE1 is on the minus strand). VCF-style: chr5-37122429-C-T. GRCh37 (hg19) VCF-style: chr5-37122531-C-T.
Other names: c.8855+1G>A (NM_023073.4).
Identifiers: ClinVar variation 217564 (VCV000217564.15), dbSNP rs863225154, ClinGen allele CA279466.